The following is an entry in ClinVar:

NM_031935.3(HMCN1):c.7617T>A (p.Asn2539Lys)

Gene: HMCN1 (hemicentin 1; plus strand). Cytogenetic location: 1q31.1.
Variant type: single nucleotide variant.
Coding change: c.7617T>A on transcript NM_031935.3 (MANE Select); coding-DNA position 7617, T replaced by A.
Protein change: p.Asn2539Lys; replaces asparagine 2539 with lysine.
Molecular consequence: missense variant.
Genome position (GRCh38, 1-based): chr1:186,065,341, T>A. VCF-style: chr1-186065341-T-A. GRCh37 (hg19) VCF-style: chr1-186034473-T-A.
Other names: short protein forms N2539K.
Identifiers: ClinVar variation 2414015 (VCV002414015.6), dbSNP rs767702278, ClinGen allele CA33459436.

ClinVar aggregate classification (germline): Uncertain significance (1 of 4 stars; one submission).

gnomAD v4.1: 26 of 1,612,434 alleles (0.0016%); highest among the groups gnomAD compares: Non-Finnish European, 0.0021%; no homozygotes.

Submission:

Labcorp Genetics (formerly Invitae), Labcorp
Classification: Uncertain significance. Last evaluated: 2023-09-30. Review status: criteria provided, single submitter. Criteria: Invitae Variant Classification Sherloc (09022015). Collection method: clinical testing. Allele origin: germline.
Comment: In summary, the available evidence is currently insufficient to determine the role of this variant in disease. Therefore, it has been classified as a Variant of Uncertain Significance. An algorithm developed to predict the effect of missense changes on protein structure and function (PolyPhen-2) suggests that this variant is likely to be disruptive. ClinVar contains an entry for this variant (Variation ID: 2414015). This variant has not been reported in the literature in individuals affected with HMCN1-related conditions. This variant is present in population databases (no rsID available, gnomAD 0.002%). This sequence change replaces asparagine, which is neutral and polar, with lysine, which is basic and polar, at codon 2539 of the HMCN1 protein (p.Asn2539Lys).